The following is an entry in ClinVar:

ClinVar aggregate classification (germline): Likely benign. Review status: criteria provided, multiple submitters, no conflicts (2 of 4 stars). 4 submissions from 4 submitters: Likely benign (4). Last evaluated 2026-01-27.

Conditions:
Asphyxiating thoracic dystrophy 4 (SRTD4). Also called: SHORT-RIB THORACIC DYSPLASIA 4 WITH OR WITHOUT POLYDACTYLY; SHORT-RIB THORACIC DYSPLASIA 4. Identifiers: Orphanet 474, MedGen C3151185, MONDO:0013441, OMIM 613819.
Nephronophthisis 12 (NPHP12). Identifiers: Orphanet 655, MedGen C3151186, MONDO:0013442, OMIM 613820.
Jeune thoracic dystrophy. Also called: Short-rib thoracic dysplasia; Jeune syndrome; Infantile thoracic dystrophy; Thoracic pelvic phalangeal dystrophy; Jeune's syndrome; Chondroectodermal dysplasia-like syndrome. Identifiers: Orphanet 474, MedGen C0265275, MONDO:0018770.
Nephronophthisis. Also called: Juvenile Nephronophthisis. Identifiers: Orphanet 655, MedGen C0687120, MONDO:0019005, HP:0000090.

Allele frequency attached by ClinVar (database versions not stated): gnomAD 0.00009 and 0.00010; gnomAD exomes 0.00014 and 0.00022; TOPMed 0.00014; ESP Exome Variant Server 0.00015; ExAC 0.00017.
gnomAD v4.1: 327 of 1,613,398 alleles (0.02%); highest among the groups gnomAD compares: Non-Finnish European, 0.027%; no homozygotes.

Submissions (4):

Labcorp Genetics (formerly Invitae), Labcorp
Classification: Likely benign for Jeune thoracic dystrophy; Nephronophthisis. Last evaluated: 2026-01-27. Review status: criteria provided, single submitter. Criteria: Invitae Variant Classification Sherloc (09022015). Collection method: clinical testing. Allele origin: germline.

Blueprint Genetics
Classification: Likely benign. Last evaluated: 2024-09-11. Review status: criteria provided, single submitter. Criteria: ACMG Guidelines, 2015. Collection method: clinical testing. Allele origin: germline.

Fulgent Genetics
Classification: Likely benign for Asphyxiating thoracic dystrophy 4; Nephronophthisis 12. Last evaluated: 2021-09-13. Review status: criteria provided, single submitter. Criteria: ACMG Guidelines, 2015. Collection method: clinical testing. Allele origin: unknown.

GeneDx
Classification: Likely benign. Last evaluated: 2017-05-15. Review status: criteria provided, single submitter. Criteria: GeneDx Variant Classification (06012015). Collection method: clinical testing. Allele origin: germline. Affected: yes.
Comment: This variant is considered likely benign or benign based on one or more of the following criteria: it is a conservative change, it occurs at a poorly conserved position in the protein, it is predicted to be benign by multiple in silico algorithms, and/or has population frequency not consistent with disease.

NM_024753.5(TTC21B):c.553-20C>G

Genes: TTC21B (tetratricopeptide repeat domain 21B; minus strand), TTC21B-AS1 (TTC21B antisense RNA 1; plus strand). Cytogenetic location: 2q24.3.
Variant type: single nucleotide variant.
Coding change: c.553-20C>G on transcript NM_024753.5 (MANE Select); 20 bases into the intron before coding-DNA position 553, C replaced by G.
Molecular consequence: intron variant.
Genome position (GRCh38, 1-based): chr2:165,941,204, G>C on the plus strand (C>G on the coding strand, the complement: TTC21B is on the minus strand). VCF-style: chr2-165941204-G-C. GRCh37 (hg19) VCF-style: chr2-166797714-G-C.
Identifiers: ClinVar variation 509487 (VCV000509487.11), dbSNP rs376144362, ClinGen allele CA1942398.